The following is an entry in ClinVar:

ClinVar aggregate classification (germline): Uncertain significance. Review status: criteria provided, multiple submitters, no conflicts (2 of 4 stars). 2 submissions from 2 submitters: Uncertain significance (2). Last evaluated 2025-11-24.

Conditions:
Noonan syndrome 9 (NS9). Identifiers: Orphanet 648, MedGen C4225282, MONDO:0014691, OMIM 616559.
Cardiovascular phenotype. Identifiers: MedGen CN230736.

Allele frequency attached by ClinVar (database versions not stated): gnomAD exomes 0.00001 and 0.00002; ExAC 0.00002.
gnomAD v4.1: 12 of 1,612,004 alleles (0.00074%); highest among the groups gnomAD compares: South Asian, 0.012%; no homozygotes.

Submissions (2):

Labcorp Genetics (formerly Invitae), Labcorp
Classification: Uncertain significance for Noonan syndrome 9. Last evaluated: 2025-11-24. Review status: criteria provided, single submitter. Criteria: Invitae Variant Classification Sherloc (09022015). Collection method: clinical testing. Allele origin: germline.
Comment: This sequence change replaces asparagine, which is neutral and polar, with tyrosine, which is neutral and polar, at codon 864 of the SOS2 protein (p.Asn864Tyr). This variant is present in population databases (rs781119008, gnomAD 0.01%). This variant has not been reported in the literature in individuals affected with SOS2-related conditions. ClinVar contains an entry for this variant (Variation ID: 1439371). Invitae Evidence Modeling of protein sequence and biophysical properties (such as structural, functional, and spatial information, amino acid conservation, physicochemical variation, residue mobility, and thermodynamic stability) has been performed for this missense variant. However, the output from this modeling did not meet the statistical confidence thresholds required to predict the impact of this variant on SOS2 protein function. In summary, the available evidence is currently insufficient to determine the role of this variant in disease. Therefore, it has been classified as a Variant of Uncertain Significance.

Ambry Genetics
Classification: Uncertain significance for Cardiovascular phenotype. Last evaluated: 2025-05-18. Review status: criteria provided, single submitter. Criteria: Ambry Variant Classification Scheme 2023. Collection method: clinical testing. Allele origin: germline.
Comment: The p.N864Y variant (also known as c.2590A>T), located in coding exon 16 of the SOS2 gene, results from an A to T substitution at nucleotide position 2590. The asparagine at codon 864 is replaced by tyrosine, an amino acid with dissimilar properties. This amino acid position is conserved. In addition, this alteration is predicted to be deleterious by in silico analysis. Based on the available evidence, the clinical significance of this variant remains unclear.

NM_006939.4(SOS2):c.2590A>T (p.Asn864Tyr)

Gene: SOS2 (SOS Ras/Rho guanine nucleotide exchange factor 2; minus strand). Cytogenetic location: 14q21.3.
Variant type: single nucleotide variant.
Coding change: c.2590A>T on transcript NM_006939.4 (MANE Select); coding-DNA position 2590, A replaced by T.
Protein change: p.Asn864Tyr; replaces asparagine 864 with tyrosine.
Molecular consequence: missense variant.
Genome position (GRCh38, 1-based): chr14:50,145,247, T>A on the plus strand (A>T on the coding strand, the complement: SOS2 is on the minus strand). VCF-style: chr14-50145247-T-A. GRCh37 (hg19) VCF-style: chr14-50611965-T-A.
Other names: c.2590A>T (NM_006939.2); short protein forms N864Y.
Identifiers: ClinVar variation 1439371 (VCV001439371.7), dbSNP rs781119008, ClinGen allele CA7177005.
Genomic context (GRCh38, chr14:50,145,247, plus strand): 5'-GTCTGTATACTGACACTGAATTTACTGCACTGACTATCTCCAATACGCCATTGAAATTAT[T>A]CAAATCTTGAAAAACTTGCAGAATTTCTATAATTCTACTTAGTACTGCCACCCGTTCTTC-3'
Protein context (NP_008870.2, residues 854-874): IEILQVFQDL[Asn864Tyr]NFNGVLEIVS